The following is an entry in ClinVar:

NM_000540.3(RYR1):c.270+4A>G

Gene: RYR1 (ryanodine receptor 1; plus strand). Cytogenetic location: 19q13.2.
Variant type: single nucleotide variant.
Coding change: c.270+4A>G on transcript NM_000540.3 (MANE Select); 4 bases into the intron after coding-DNA position 270, A replaced by G.
Molecular consequence: intron variant.
Genome position (GRCh38, 1-based): chr19:38,442,457, A>G. VCF-style: chr19-38442457-A-G. GRCh37 (hg19) VCF-style: chr19-38933097-A-G.
Other names: c.270+4A>G (NM_001042723.2).
Identifiers: ClinVar variation 2143095 (VCV002143095.4), dbSNP rs2513966057, ClinGen allele CA2580096921.
Genomic context (GRCh38, chr19:38,442,457, plus strand): 5'-CTGTCTGTGCGAGCCCTGCAGGAGATGCTGGCTAACACGGTGGAGGCTGGCGTGGAGGTG[A>G]GGACCCCACCTGGGGGTGGGCGGGGTGGCAGAGATGGGCGAGAGGACCCAGGGGTCGTTT-3'

ClinVar aggregate classification (germline): Uncertain significance (1 of 4 stars; one submission).

Conditions:
RYR1-related disorder. Also called: RYR1-related condition; RYR1-related disorders. Identifiers: MedGen CN239331.

Submission:

Labcorp Genetics (formerly Invitae), Labcorp
Classification: Uncertain significance for RYR1-related disorder. Last evaluated: 2022-08-06. Review status: criteria provided, single submitter. Criteria: Invitae Variant Classification Sherloc (09022015). Collection method: clinical testing. Allele origin: germline.
Comment: In summary, the available evidence is currently insufficient to determine the role of this variant in disease. Therefore, it has been classified as a Variant of Uncertain Significance. Variants that disrupt the consensus splice site are a relatively common cause of aberrant splicing (PMID: 17576681, 9536098). Algorithms developed to predict the effect of sequence changes on RNA splicing suggest that this variant is not likely to affect RNA splicing. This variant has not been reported in the literature in individuals affected with RYR1-related conditions. This variant is not present in population databases (gnomAD no frequency). This sequence change falls in intron 3 of the RYR1 gene. It does not directly change the encoded amino acid sequence of the RYR1 protein. It affects a nucleotide within the consensus splice site.

Literature cited by the submitters: PubMed 17576681; PubMed 9536098.